The following is an entry in ClinVar:

NM_012431.3(SEMA3E):c.1046T>C (p.Ile349Thr)

Gene: SEMA3E (semaphorin 3E; minus strand). Cytogenetic location: 7q21.11.
Variant type: single nucleotide variant.
Coding change: c.1046T>C on transcript NM_012431.3 (MANE Select); coding-DNA position 1046, T replaced by C.
Protein change: p.Ile349Thr; replaces isoleucine 349 with threonine.
Molecular consequence: missense variant.
Genome position (GRCh38, 1-based): chr7:83,402,729, A>G on the plus strand (T>C on the coding strand, the complement: SEMA3E is on the minus strand). VCF-style: chr7-83402729-A-G. GRCh37 (hg19) VCF-style: chr7-83032045-A-G.
Other names: c.866T>C, p.Ile289Thr (NM_001178129.2); short protein forms I289T, I349T.
Identifiers: ClinVar variation 2824604 (VCV002824604.3), dbSNP rs2484310784, ClinGen allele CA367929231.

ClinVar aggregate classification (germline): Uncertain significance (1 of 4 stars; one submission).

Conditions:
CHARGE syndrome (CHARGE). Also called: Hittner Hirsch Kreh syndrome; CHARGE ASSOCIATION--COLOBOMA, HEART ANOMALY, CHOANAL ATRESIA, RETARDATION, GENITAL AND EAR ANOMALIES; Coloboma, heart anomaly, choanal atresia, retardation, genital and ear anomalies; CHARGE association; Hall-Hittner syndrome. Identifiers: Orphanet 138, MedGen C0265354, MONDO:0008965.

Submission:

Labcorp Genetics (formerly Invitae), Labcorp
Classification: Uncertain significance for CHARGE syndrome. Last evaluated: 2022-12-28. Review status: criteria provided, single submitter. Criteria: Invitae Variant Classification Sherloc (09022015). Collection method: clinical testing. Allele origin: germline.
Comment: This sequence change replaces isoleucine, which is neutral and non-polar, with threonine, which is neutral and polar, at codon 349 of the SEMA3E protein (p.Ile349Thr). In summary, the available evidence is currently insufficient to determine the role of this variant in disease. Therefore, it has been classified as a Variant of Uncertain Significance. Advanced modeling of protein sequence and biophysical properties (such as structural, functional, and spatial information, amino acid conservation, physicochemical variation, residue mobility, and thermodynamic stability) performed at Invitae indicates that this missense variant is expected to disrupt SEMA3E protein function. This variant has not been reported in the literature in individuals affected with SEMA3E-related conditions. This variant is not present in population databases (gnomAD no frequency).